The following is an entry in ClinVar:

NM_000285.4(PEPD):c.1366G>A (p.Val456Met)

Gene: PEPD (peptidase D; minus strand). Cytogenetic location: 19q13.11.
Variant type: single nucleotide variant.
Coding change: c.1366G>A on transcript NM_000285.4 (MANE Select); coding-DNA position 1366, G replaced by A.
Protein change: p.Val456Met; replaces valine 456 with methionine.
Molecular consequence: missense variant.
Genome position (GRCh38, 1-based): chr19:33,387,460, C>T on the plus strand (G>A on the coding strand, the complement: PEPD is on the minus strand). VCF-style: chr19-33387460-C-T. GRCh37 (hg19) VCF-style: chr19-33878366-C-T.
Other names: p.Val456Met; c.1243G>A, p.Val415Met (NM_001166056.2); c.1174G>A, p.Val392Met (NM_001166057.2); c.1366G>A (NM_000285.3); short protein forms V392M, V415M, V456M.
Identifiers: ClinVar variation 2057840 (VCV002057840.3), dbSNP rs189549581, ClinGen allele CA9363876.

ClinVar aggregate classification (germline): Uncertain significance. Review status: criteria provided, multiple submitters, no conflicts (2 of 4 stars). 3 submissions from 3 submitters: Uncertain significance (3). Last evaluated 2023-11-28.

Allele frequency attached by ClinVar (database versions not stated): gnomAD 0.00002; gnomAD exomes 0.00002; TOPMed 0.00003; ExAC 0.00004; 1000 Genomes Project 30x 0.00016; 1000 Genomes Project 0.00020.
gnomAD v4.1: 33 of 1,613,846 alleles (0.002%); highest among the groups gnomAD compares: East Asian, 0.02%; no homozygotes.

Submissions (3):

GeneDx
Classification: Uncertain significance. Last evaluated: 2023-11-28. Review status: criteria provided, single submitter. Criteria: GeneDx Variant Classification Process June 2021. Collection method: clinical testing. Allele origin: germline. Affected: yes.
Comment: In silico analysis supports that this missense variant does not alter protein structure/function; Has not been previously published as pathogenic or benign to our knowledge

Mayo Clinic Laboratories, Mayo Clinic
Classification: Uncertain significance. Last evaluated: 2022-08-11. Review status: criteria provided, single submitter. Criteria: ACMG Guidelines, 2015. Collection method: clinical testing. Allele origin: germline. Observed: 1 variant allele.
Comment: PM2

Labcorp Genetics (formerly Invitae), Labcorp
Classification: Uncertain significance. Last evaluated: 2022-06-22. Review status: criteria provided, single submitter. Criteria: Invitae Variant Classification Sherloc (09022015). Collection method: clinical testing. Allele origin: germline.
Comment: This sequence change replaces valine, which is neutral and non-polar, with methionine, which is neutral and non-polar, at codon 456 of the PEPD protein (p.Val456Met). This variant is present in population databases (rs189549581, gnomAD 0.05%). This variant has not been reported in the literature in individuals affected with PEPD-related conditions. Algorithms developed to predict the effect of missense changes on protein structure and function are either unavailable or do not agree on the potential impact of this missense change (SIFT: "Tolerated"; PolyPhen-2: "Possibly Damaging"; Align-GVGD: "Class C0"). In summary, the available evidence is currently insufficient to determine the role of this variant in disease. Therefore, it has been classified as a Variant of Uncertain Significance.